The following is an entry in ClinVar:

ClinVar aggregate classification (germline): Uncertain significance (1 of 4 stars; one submission).

Conditions:
Primary dilated cardiomyopathy (DCM). Also called: Dilated Cardiomyopathy. Identifiers: Orphanet 217604, MedGen C0007193, MeSH D002311, MONDO:0005021, HP:0001644. Inheritance: Various modes of inheritance.

gnomAD v4.1: 2 of 1,614,110 alleles (0.00012%); highest among the groups gnomAD compares: African/African-American, 0.0013%; no homozygotes.

Submission:

Labcorp Genetics (formerly Invitae), Labcorp
Classification: Uncertain significance for Primary dilated cardiomyopathy. Last evaluated: 2025-11-05. Review status: criteria provided, single submitter. Criteria: Invitae Variant Classification Sherloc (09022015). Collection method: clinical testing. Allele origin: germline.
Comment: This sequence change replaces cysteine, which is neutral and slightly polar, with tyrosine, which is neutral and polar, at codon 89 of the FHL2 protein (p.Cys89Tyr). This variant is present in population databases (no rsID available, gnomAD 0.003%). This variant has not been reported in the literature in individuals affected with FHL2-related conditions. ClinVar contains an entry for this variant (Variation ID: 3702805). Invitae Evidence Modeling of protein sequence and biophysical properties (such as structural, functional, and spatial information, amino acid conservation, physicochemical variation, residue mobility, and thermodynamic stability) indicates that this missense variant is not expected to disrupt FHL2 protein function with a negative predictive value of 80%. In summary, the available evidence is currently insufficient to determine the role of this variant in disease. Therefore, it has been classified as a Variant of Uncertain Significance.

NM_001318895.3(FHL2):c.266G>A (p.Cys89Tyr)

Genes: C2orf49 (chromosome 2 open reading frame 49; plus strand), FHL2 (four and a half LIM domains 2; minus strand). Cytogenetic location: 2q12.2.
Variant type: single nucleotide variant.
Coding change: c.266G>A on transcript NM_001318895.3 (MANE Select); coding-DNA position 266, G replaced by A.
Protein change: p.Cys89Tyr; replaces cysteine 89 with tyrosine.
Molecular consequence: missense variant. On other transcripts: 5 prime UTR variant (1), intron variant (2).
Genome position (GRCh38, 1-based): chr2:105,373,624, C>T on the plus strand (G>A on the coding strand, the complement: FHL2 is on the minus strand). VCF-style: chr2-105373624-C-T. GRCh37 (hg19) VCF-style: chr2-105990081-C-T.
Other names: c.266G>A, p.Cys89Tyr (NM_001039492.3, NM_001318894.1, NM_001318896.2 and 4 more transcripts); c.-59G>A (NM_001318899.2); c.-11-5885G>A (NM_001318897.2, NM_001318898.2); short protein forms C89Y.
Identifiers: ClinVar variation 3702805 (VCV003702805.2).
Genomic context (GRCh38, chr2:105,373,624, plus strand): 5'-ATGATGGTCTTCTTGCATTCCTGGCACTTGGATGAGTACTCGTTGGAATAGCAGTCTGTA[C>T]AGAGCAGCTGGTCCTCCTTGGCAGCAAAGGGCTTGTCCACCAGTGAGTTTCTGCACTGCG-3'
Protein context (NP_001305824.1, residues 79-99): PFAAKEDQLL[Cys89Tyr]TDCYSNEYSS